The following is an entry in ClinVar:

NM_001271.4(CHD2):c.3220del (p.Arg1074fs)

Gene: CHD2 (chromodomain helicase DNA binding protein 2; plus strand). Cytogenetic location: 15q26.1.
Variant type: Deletion.
Coding change: c.3220del on transcript NM_001271.4 (MANE Select); coding-DNA position 3220, one base deleted (C; older notation c.3220delC).
Protein change: p.Arg1074fs; shifts the reading frame from arginine 1074.
Molecular consequence: frameshift variant.
Genome position (GRCh38, 1-based): chr15:92,984,483, C deleted. VCF-style (leftmost placement, unchanged base first): chr15-92984482-TC-T. GRCh37 (hg19) VCF-style: chr15-93527712-TC-T.
Other names: short protein forms R1074fs.
Identifiers: ClinVar variation 280610 (VCV000280610.2), dbSNP rs886041783, ClinGen allele CA10603483.
Genomic context (GRCh38, chr15:92,984,482, plus strand): 5'-AAAAGTAGAGGAGGAAGAGCGGCAGAAGGAGCTAGAAGAAATTTATATGCTGCCTCGAAT[TC>T]GGAGTTCCACTAAAAAGGTGATCAAGTGAGATGAAAGATATGAAATTATTTCTTATGTTG-3'

ClinVar aggregate classification (germline): Pathogenic (1 of 4 stars; one submission).

Submission:

GeneDx
Classification: Pathogenic. Last evaluated: 2016-08-29. Review status: criteria provided, single submitter. Criteria: GeneDx Variant Classification (06012015). Collection method: clinical testing. Allele origin: germline. Affected: yes.
Comment: The de novo c.3220delC variant causes a frameshift starting with codon Arginine 1074, changes this amino acid to a Glycine residue and creates a premature Stop codon at position 83 of the new reading frame, denoted p.Arg1074GlyfsX83. This variant is predicted to cause loss of normal protein function either through protein truncation or nonsense-mediated mRNA decay. It was not observed in approximately 6,500 individuals of European and African American ancestry in the NHLBI Exome Sequencing Project, indicating it is not a common benign variant in these populations. Although this variant has not been previously reported to our knowledge, other frameshift variants have been reported in the CHD2 gene in association with CHD2-related disorders (Stenson et al., 2014).Therefore, the c.3220delC variant is considered a pathogenic variant.